The following is an entry in ClinVar:

ClinVar aggregate classification (germline): Uncertain significance. Review status: criteria provided, multiple submitters, no conflicts (2 of 4 stars). 3 submissions from 3 submitters: Uncertain significance (3). Last evaluated 2023-04-11.

Conditions:
Developmental and epileptic encephalopathy, 69. Also called: EPILEPTIC ENCEPHALOPATHY, EARLY INFANTILE, 69. Identifiers: MedGen C4748988, MONDO:0032657, OMIM 618285.
Inborn genetic diseases. Identifiers: MedGen C0950123, MeSH D030342.

Submissions (3):

Genome-Nilou Lab
Classification: Uncertain significance for Developmental and epileptic encephalopathy, 69. Last evaluated: 2023-04-11. Review status: criteria provided, single submitter. Criteria: ACMG Guidelines, 2015. Collection method: clinical testing. Allele origin: germline. Affected: no.

Labcorp Genetics (formerly Invitae), Labcorp
Classification: Uncertain significance. Last evaluated: 2022-06-13. Review status: criteria provided, single submitter. Criteria: Invitae Variant Classification Sherloc (09022015). Collection method: clinical testing. Allele origin: germline.
Comment: In summary, the available evidence is currently insufficient to determine the role of this variant in disease. Therefore, it has been classified as a Variant of Uncertain Significance. Advanced modeling of protein sequence and biophysical properties (such as structural, functional, and spatial information, amino acid conservation, physicochemical variation, residue mobility, and thermodynamic stability) performed at Invitae indicates that this missense variant is not expected to disrupt CACNA1E protein function. This variant has not been reported in the literature in individuals affected with CACNA1E-related conditions. This variant is not present in population databases (gnomAD no frequency). This sequence change replaces histidine, which is basic and polar, with arginine, which is basic and polar, at codon 765 of the CACNA1E protein (p.His765Arg).

Ambry Genetics
Classification: Uncertain significance for Inborn genetic diseases. Last evaluated: 2022-04-07. Review status: criteria provided, single submitter. Criteria: Ambry Variant Classification Scheme 2023. Collection method: clinical testing. Allele origin: germline.

NM_001205293.3(CACNA1E):c.2294A>G (p.His765Arg)

Gene: CACNA1E (calcium voltage-gated channel subunit alpha1 E; plus strand). Cytogenetic location: 1q25.3.
Variant type: single nucleotide variant.
Coding change: c.2294A>G on transcript NM_001205293.3 (MANE Select); coding-DNA position 2294, A replaced by G.
Protein change: p.His765Arg; replaces histidine 765 with arginine.
Molecular consequence: missense variant. On other transcripts: intron variant (1).
Genome position (GRCh38, 1-based): chr1:181,731,228, A>G. VCF-style: chr1-181731228-A-G. GRCh37 (hg19) VCF-style: chr1-181700364-A-G.
Other names: c.2294A>G, p.His765Arg (NM_000721.4); c.2241-1156A>G (NM_001205294.2); c.2294A>G (NM_001205293.1); short protein forms H765R.
Identifiers: ClinVar variation 1514092 (VCV001514092.7), dbSNP rs2102541491, ClinGen allele CA343630273.